The following is an entry in ClinVar:

NM_000093.5(COL5A1):c.2393A>C (p.Asp798Ala)

Gene: COL5A1 (collagen type V alpha 1 chain; plus strand). Cytogenetic location: 9q34.3.
Variant type: single nucleotide variant.
Coding change: c.2393A>C on transcript NM_000093.5 (MANE Select); coding-DNA position 2393, A replaced by C.
Protein change: p.Asp798Ala; replaces aspartic acid 798 with alanine.
Molecular consequence: missense variant.
Genome position (GRCh38, 1-based): chr9:134,780,109, A>C. VCF-style: chr9-134780109-A-C. GRCh37 (hg19) VCF-style: chr9-137671955-A-C.
Other names: c.2393A>C, p.Asp798Ala (NM_001278074.1); short protein forms D798A.
Identifiers: ClinVar variation 4811405 (VCV004811405.1).
Genomic context (GRCh38, chr9:134,780,109, plus strand): 5'-GAAAGGCTGAGACTTGTAACCATTCACTCCTTTTTCTTTTCCCACCCGCACAGGGGGCCG[A>C]TGGCATCCGTGGTCTGAAGGGCACAAAGGGCGAGAAGGTAAGTCTCTCCTTGCAGCCACG-3'
Protein context (NP_000084.3, residues 788-808): YPGPRGVKGA[Asp798Ala]GIRGLKGTKG

ClinVar aggregate classification (germline): Uncertain significance (1 of 4 stars; one submission).

Conditions:
Ehlers-Danlos syndrome, classic type, 1 (EDSCL1). Also called: Ehlers-Danlos Syndrome, Classic Type, COL5A1-Related; EDS I; EHLERS-DANLOS SYNDROME, GRAVIS TYPE; EHLERS-DANLOS SYNDROME, SEVERE CLASSIC TYPE; Ehlers-Danlos syndrome, type 1. Identifiers: MedGen C0268335, MONDO:0019567, OMIM 130000.

Submission:

Labcorp Genetics (formerly Invitae), Labcorp
Classification: Uncertain significance for Ehlers-Danlos syndrome, classic type, 1. Last evaluated: 2025-10-13. Review status: criteria provided, single submitter. Criteria: Invitae Variant Classification Sherloc (09022015). Collection method: clinical testing. Allele origin: germline.
Comment: This sequence change replaces aspartic acid, which is acidic and polar, with alanine, which is neutral and non-polar, at codon 798 of the COL5A1 protein (p.Asp798Ala). This variant is not present in population databases (gnomAD no frequency). This variant has not been reported in the literature in individuals affected with COL5A1-related conditions. Invitae Evidence Modeling of protein sequence and biophysical properties (such as structural, functional, and spatial information, amino acid conservation, physicochemical variation, residue mobility, and thermodynamic stability) indicates that this missense variant is not expected to disrupt COL5A1 protein function with a negative predictive value of 95%. In summary, the available evidence is currently insufficient to determine the role of this variant in disease. Therefore, it has been classified as a Variant of Uncertain Significance.